The following is an entry in ClinVar:

ClinVar aggregate classification (germline): Uncertain significance. Review status: criteria provided, multiple submitters, no conflicts (2 of 4 stars). 2 submissions from 2 submitters: Uncertain significance (2). Last evaluated 2025-08-20.

Conditions:
Inborn genetic diseases. Identifiers: MedGen C0950123, MeSH D030342.

Allele frequency attached by ClinVar (database versions not stated): gnomAD exomes 0.00001 and 0.00006; ExAC 0.00004; ESP Exome Variant Server 0.00015; gnomAD 0.00015 and 0.00016; TOPMed 0.00015.
gnomAD v4.1: 41 of 1,614,014 alleles (0.0025%); highest among the groups gnomAD compares: African/African-American, 0.035%; no homozygotes.

Submissions (2):

Ambry Genetics
Classification: Uncertain significance for Inborn genetic diseases. Last evaluated: 2025-08-20. Review status: criteria provided, single submitter. Criteria: Ambry Variant Classification Scheme 2023. Collection method: clinical testing. Allele origin: germline.

Labcorp Genetics (formerly Invitae), Labcorp
Classification: Uncertain significance. Last evaluated: 2022-07-27. Review status: criteria provided, single submitter. Criteria: Invitae Variant Classification Sherloc (09022015). Collection method: clinical testing. Allele origin: germline.
Comment: This sequence change replaces threonine, which is neutral and polar, with alanine, which is neutral and non-polar, at codon 116 of the MCM3AP protein (p.Thr116Ala). This variant is present in population databases (rs145783044, gnomAD 0.04%). This variant has not been reported in the literature in individuals affected with MCM3AP-related conditions. ClinVar contains an entry for this variant (Variation ID: 1366312). Algorithms developed to predict the effect of missense changes on protein structure and function (SIFT, PolyPhen-2, Align-GVGD) all suggest that this variant is likely to be tolerated. In summary, the available evidence is currently insufficient to determine the role of this variant in disease. Therefore, it has been classified as a Variant of Uncertain Significance.

NM_003906.5(MCM3AP):c.346A>G (p.Thr116Ala)

Gene: MCM3AP (minichromosome maintenance complex component 3 associated protein; minus strand). Cytogenetic location: 21q22.3.
Variant type: single nucleotide variant.
Coding change: c.346A>G on transcript NM_003906.5 (MANE Select); coding-DNA position 346, A replaced by G.
Protein change: p.Thr116Ala; replaces threonine 116 with alanine.
Molecular consequence: missense variant.
Genome position (GRCh38, 1-based): chr21:46,284,941, T>C on the plus strand (A>G on the coding strand, the complement: MCM3AP is on the minus strand). VCF-style: chr21-46284941-T-C. GRCh37 (hg19) VCF-style: chr21-47704855-T-C.
Other names: c.346A>G (NM_003906.3); short protein forms T116A.
Identifiers: ClinVar variation 1366312 (VCV001366312.5), dbSNP rs145783044, ClinGen allele CA10077366.